The following is an entry in ClinVar:

NM_006269.2(RP1):c.1794T>G (p.Tyr598Ter)

Gene: RP1 (RP1 axonemal microtubule associated; plus strand). Cytogenetic location: 8q12.1.
Variant type: single nucleotide variant.
Coding change: c.1794T>G on transcript NM_006269.2 (MANE Select); coding-DNA position 1794, T replaced by G.
Protein change: p.Tyr598Ter; replaces tyrosine 598 with a stop codon.
Molecular consequence: nonsense. On other transcripts: intron variant (1).
Genome position (GRCh38, 1-based): chr8:54,625,676, T>G. VCF-style: chr8-54625676-T-G. GRCh37 (hg19) VCF-style: chr8-55538236-T-G.
Other names: c.787+3388T>G (NM_001375654.1); short protein forms Y598*.
Identifiers: ClinVar variation 1954437 (VCV001954437.5), dbSNP rs2536571771, ClinGen allele CA370991635.

ClinVar aggregate classification (germline): Pathogenic (1 of 4 stars; one submission).

Allele frequency attached by ClinVar (database versions not stated): gnomAD exomes below 0.00001.
gnomAD v4.1: 2 of 1,614,140 alleles (0.00012%); highest among the groups gnomAD compares: Non-Finnish European, 0.00017%; no homozygotes.

Submission:

Labcorp Genetics (formerly Invitae), Labcorp
Classification: Pathogenic. Last evaluated: 2022-07-19. Review status: criteria provided, single submitter. Criteria: Invitae Variant Classification Sherloc (09022015). Collection method: clinical testing. Allele origin: germline.
Comment: For these reasons, this variant has been classified as Pathogenic. This variant disrupts the C-terminus of the RP1 protein. Many variants that disrupt this region have been reported in individuals with either autosomal dominant or autosomal recessive retinitis pigmentosa (PMID: 11527933, 19933189, 29425069, 30027431, 33681214). Therefore, variants that disrupt this region are expected to be disease-causing. Algorithms developed to predict the effect of sequence changes on RNA splicing suggest that this variant may create or strengthen a splice site. This variant has not been reported in the literature in individuals affected with RP1-related conditions. This variant is not present in population databases (gnomAD no frequency). This sequence change creates a premature translational stop signal (p.Tyr598*) in the RP1 gene. While this is not anticipated to result in nonsense mediated decay, it is expected to disrupt the last 1559 amino acid(s) of the RP1 protein.

Literature cited by the submitters: PubMed 11527933; PubMed 19933189; PubMed 29425069; PubMed 30027431; PubMed 33681214.